The following is an entry in ClinVar:

NM_000350.3(ABCA4):c.5618A>G (p.Asp1873Gly)

Gene: ABCA4 (ATP binding cassette subfamily A member 4; minus strand). Cytogenetic location: 1p22.1.
Variant type: single nucleotide variant.
Coding change: c.5618A>G on transcript NM_000350.3 (MANE Select); coding-DNA position 5618, A replaced by G.
Protein change: p.Asp1873Gly; replaces aspartic acid 1873 with glycine.
Molecular consequence: missense variant.
Genome position (GRCh38, 1-based): chr1:94,010,896, T>C on the plus strand (A>G on the coding strand, the complement: ABCA4 is on the minus strand). VCF-style: chr1-94010896-T-C. GRCh37 (hg19) VCF-style: chr1-94476452-T-C.
Other names: c.5396A>G, p.Asp1799Gly (NM_001425324.1); short protein forms D1873G, D1799G.
Identifiers: ClinVar variation 1055208 (VCV001055208.10), dbSNP rs778550733, ClinGen allele CA957191.

ClinVar aggregate classification (germline): Uncertain significance. Review status: criteria provided, multiple submitters, no conflicts (2 of 4 stars). 2 submissions from 2 submitters: Uncertain significance (2). Last evaluated 2023-04-24.

Conditions:
Inborn genetic diseases. Identifiers: MedGen C0950123, MeSH D030342.

Allele frequency attached by ClinVar (database versions not stated): ExAC 0.00001; gnomAD exomes 0.00001.
gnomAD v4.1: 5 of 1,614,040 alleles (0.00031%); highest among the groups gnomAD compares: Non-Finnish European, 0.00042%; no homozygotes.

Submissions (2):

Labcorp Genetics (formerly Invitae), Labcorp
Classification: Uncertain significance. Last evaluated: 2023-04-24. Review status: criteria provided, single submitter. Criteria: Invitae Variant Classification Sherloc (09022015). Collection method: clinical testing. Allele origin: germline.
Comment: ClinVar contains an entry for this variant (Variation ID: 1055208). This variant has not been reported in the literature in individuals affected with ABCA4-related conditions. This variant is present in population databases (rs778550733, gnomAD 0.002%). This sequence change replaces aspartic acid, which is acidic and polar, with glycine, which is neutral and non-polar, at codon 1873 of the ABCA4 protein (p.Asp1873Gly). In summary, the available evidence is currently insufficient to determine the role of this variant in disease. Therefore, it has been classified as a Variant of Uncertain Significance. Advanced modeling of protein sequence and biophysical properties (such as structural, functional, and spatial information, amino acid conservation, physicochemical variation, residue mobility, and thermodynamic stability) performed at Invitae indicates that this missense variant is expected to disrupt ABCA4 protein function.

Ambry Genetics
Classification: Uncertain significance for Inborn genetic diseases. Last evaluated: 2023-04-06. Review status: criteria provided, single submitter. Criteria: Ambry Variant Classification Scheme 2023. Collection method: clinical testing. Allele origin: germline.